The following is an entry in ClinVar:

ClinVar aggregate classification (germline): Pathogenic (1 of 4 stars; one submission).

Conditions:
Vici syndrome (VICIS). Identifiers: Orphanet 1493, MedGen C1855772, MONDO:0009452, OMIM 242840.

gnomAD v4.1: 1 of 1,614,094 alleles (0.000062%); highest among the groups gnomAD compares: Non-Finnish European, 0.000085%; no homozygotes.

Submission:

Labcorp Genetics (formerly Invitae), Labcorp
Classification: Pathogenic for Vici syndrome. Last evaluated: 2026-01-18. Review status: criteria provided, single submitter. Criteria: Invitae Variant Classification Sherloc (09022015). Collection method: clinical testing. Allele origin: germline.
Comment: This sequence change creates a premature translational stop signal (p.Gln2002*) in the EPG5 gene. It is expected to result in an absent or disrupted protein product. Loss-of-function variants in EPG5 are known to be pathogenic (PMID: 23222957, 23674064, 40192014). This variant is present in population databases (rs773417279, gnomAD 0.0009%). This variant has not been reported in the literature in individuals affected with EPG5-related conditions. Algorithms developed to predict the effect of sequence changes on RNA splicing suggest that this variant may disrupt the consensus splice site. For these reasons, this variant has been classified as Pathogenic.

Literature cited by the submitters: PubMed 23222957; PubMed 23674064; PubMed 40192014.

NM_020964.3(EPG5):c.6004C>T (p.Gln2002Ter)

Gene: EPG5 (ectopic P-granules 5 autophagy tethering factor; minus strand). Cytogenetic location: 18q12.3.
Variant type: single nucleotide variant.
Coding change: c.6004C>T on transcript NM_020964.3 (MANE Select); coding-DNA position 6004, C replaced by T.
Protein change: p.Gln2002Ter; replaces glutamine 2002 with a stop codon.
Molecular consequence: nonsense.
Genome position (GRCh38, 1-based): chr18:45,876,281, G>A on the plus strand (C>T on the coding strand, the complement: EPG5 is on the minus strand). VCF-style: chr18-45876281-G-A. GRCh37 (hg19) VCF-style: chr18-43456246-G-A.
Other names: c.6004C>T, p.Gln2002Ter (NM_001410858.1); c.6001C>T, p.Gln2001Ter (NM_001410859.1); short protein forms Q2001*, Q2002*.
Identifiers: ClinVar variation 4805130 (VCV004805130.1).